The following is an entry in ClinVar:

ClinVar aggregate classification (germline): Uncertain significance (1 of 4 stars; one submission).

Conditions:
Atrial fibrillation, familial, 7 (ATFB7). Identifiers: MedGen C2677106, MONDO:0012828, OMIM 612240.

Submission:

Labcorp Genetics (formerly Invitae), Labcorp
Classification: Uncertain significance for Atrial fibrillation, familial, 7. Last evaluated: 2024-02-24. Review status: criteria provided, single submitter. Criteria: Invitae Variant Classification Sherloc (09022015). Collection method: clinical testing. Allele origin: germline.
Comment: This variant, c.320_343del, results in the deletion of 8 amino acid(s) of the KCNA5 protein (p.Val107_Thr114del), but otherwise preserves the integrity of the reading frame. This variant is present in population databases (rs766027953, gnomAD 0.003%). This variant has not been reported in the literature in individuals affected with KCNA5-related conditions. ClinVar contains an entry for this variant (Variation ID: 1396090). Experimental studies and prediction algorithms are not available or were not evaluated, and the functional significance of this variant is currently unknown. In summary, the available evidence is currently insufficient to determine the role of this variant in disease. Therefore, it has been classified as a Variant of Uncertain Significance.

NM_002234.4(KCNA5):c.320_343del (p.Val107_Thr114del)

Gene: KCNA5 (potassium voltage-gated channel subfamily A member 5; plus strand). Cytogenetic location: 12p13.32.
Variant type: Deletion.
Coding change: c.320_343del on transcript NM_002234.4 (MANE Select); coding-DNA positions 320 to 343, 24 bases deleted (TGGAGGACCAGGCTCTGGGCACGG).
Protein change: p.Val107_Thr114del.
Molecular consequence: inframe deletion.
Genome position (GRCh38, 1-based): chr12:5,044,467-5,044,490, TGGAGGACCAGGCTCTGGGCACGG deleted; deleting any 24 consecutive bases within chr12:5,044,457-5,044,490 gives the same sequence; the c. name uses the placement nearest the transcript's 3' end. VCF-style (leftmost placement, unchanged base first): chr12-5044456-CCTGGGCACGGTGGAGGACCAGGCT-C. GRCh37 (hg19) VCF-style: chr12-5153622-CCTGGGCACGGTGGAGGACCAGGCT-C.
Identifiers: ClinVar variation 1396090 (VCV001396090.6), dbSNP rs766027953, ClinGen allele CA6399589.